The following is an entry in ClinVar:

ClinVar aggregate classification (germline): Pathogenic (1 of 4 stars; one submission).

Conditions:
Hereditary cancer-predisposing syndrome. Also called: Tumor predisposition; Neoplastic Syndromes, Hereditary; Hereditary neoplastic syndrome; Hereditary Cancer Syndrome. Identifiers: Orphanet 140162, MedGen C0027672, MeSH D009386, MONDO:0015356.

Submission:

Ambry Genetics
Classification: Pathogenic for Hereditary cancer-predisposing syndrome. Last evaluated: 2024-10-15. Review status: criteria provided, single submitter. Criteria: Ambry Variant Classification Scheme 2023. Collection method: clinical testing. Allele origin: germline.
Comment: The p.E261* pathogenic mutation (also known as c.781G>T), located in coding exon 8 of the SMARCE1 gene, results from a G to T substitution at nucleotide position 781. This changes the amino acid from a glutamic acid to a stop codon within coding exon 8. This alteration is expected to result in loss of function by premature protein truncation or nonsense-mediated mRNA decay. Loss-of-function variants in SMARCE1 are known to cause increased risk of meningiomas; however, such associations with neurodevelopmental disorders are exceedingly rare (Kosho T et al. Am J Med Genet C Semin Med Genet. 2014 Sep;166C(3):262-75; Smith JM et al. Nat Genet. 2013 Mar;45(3):295-8). Based on the supporting evidence, this alteration is pathogenic for an increased risk of meningiomas; however, the association of this alteration with Coffin-Siris syndrome is unlikely.

NM_003079.5(SMARCE1):c.781G>T (p.Glu261Ter)

Gene: SMARCE1 (SWI/SNF related BAF chromatin remodeling complex subunit E1; minus strand). Cytogenetic location: 17q21.2.
Variant type: single nucleotide variant.
Coding change: c.781G>T on transcript NM_003079.5 (MANE Select); coding-DNA position 781, G replaced by T.
Protein change: p.Glu261Ter; replaces glutamic acid 261 with a stop codon.
Molecular consequence: nonsense.
Genome position (GRCh38, 1-based): chr17:40,631,627, C>A on the plus strand (G>T on the coding strand, the complement: SMARCE1 is on the minus strand). VCF-style: chr17-40631627-C-A. GRCh37 (hg19) VCF-style: chr17-38787879-C-A.
Other names: short protein forms E261*.
Identifiers: ClinVar variation 3446152 (VCV003446152.1).